The following is an entry in ClinVar:

ClinVar aggregate classification (germline): Pathogenic. Review status: criteria provided, multiple submitters, no conflicts (2 of 4 stars). 2 submissions from 2 submitters: Pathogenic (2). Last evaluated 2025-12-03.

Conditions:
GLB1-related disorder. Also called: GLB1-related disorders. Identifiers: MedGen CN377807.
Mucopolysaccharidosis, MPS-IV-B (MPS4B). Also called: Mucopolysaccharidosis type IV B; Mucopolysaccharidosis Type IVB; Mucopolysaccharidosis Type IVB (Morquio B Disease); Mucopolysaccharidosis type IVB (Morquio); MPS IVB; MORQUIO SYNDROME B. Identifiers: Orphanet 309310, Orphanet 582, MedGen C0086652, MONDO:0009660, OMIM 253010.
GM1 gangliosidosis. Identifiers: Orphanet 354, MedGen C0085131, MONDO:0018149.

Submissions (2):

Myriad Genetics, Inc.
Classification: Pathogenic for GLB1-related disorder. Last evaluated: 2025-12-03. Review status: criteria provided, single submitter. Criteria: Myriad Autosomal Dominant, Autosomal Recessive and X-Linked Classification Criteria (2023). Collection method: clinical testing. Allele origin: unknown.
Comment: NM_000404.2(GLB1):c.550C>T(Q184*) is a nonsense variant classified as pathogenic in the context of GLB1-related disorders. Q184* has been observed in a case with relevant disease (PMID: 29451896). Relevant functional assessments of this variant are not available in the literature. Q184* has not been observed in referenced population frequency databases. In summary, NM_000404.2(GLB1):c.550C>T(Q184*) is a nonsense variant in a gene where loss of function is a known mechanism of disease, is predicted to disrupt protein function, and has been observed more frequently in cases with the relevant disease than in healthy populations. Please note: this variant was assessed in the context of healthy population screening.

Labcorp Genetics (formerly Invitae), Labcorp
Classification: Pathogenic for Mucopolysaccharidosis, MPS-IV-B; GM1 gangliosidosis. Last evaluated: 2023-04-11. Review status: criteria provided, single submitter. Criteria: Invitae Variant Classification Sherloc (09022015). Collection method: clinical testing. Allele origin: germline.
Comment: For these reasons, this variant has been classified as Pathogenic. Algorithms developed to predict the effect of sequence changes on RNA splicing suggest that this variant may disrupt the consensus splice site. This premature translational stop signal has been observed in individual(s) with GM1-gangliosidosis (PMID: 29451896). This variant is not present in population databases (gnomAD no frequency). This sequence change creates a premature translational stop signal (p.Gln184*) in the GLB1 gene. It is expected to result in an absent or disrupted protein product. Loss-of-function variants in GLB1 are known to be pathogenic (PMID: 18524657).

Literature cited by the submitters: PubMed 29451896 (cited by Myriad Genetics, Inc. and Labcorp Genetics (formerly Invitae), Labcorp); PubMed 18524657 (cited by Labcorp Genetics (formerly Invitae), Labcorp).

NM_000404.4(GLB1):c.550C>T (p.Gln184Ter)

Gene: GLB1 (galactosidase beta 1; minus strand). Cytogenetic location: 3p22.3.
Variant type: single nucleotide variant.
Coding change: c.550C>T on transcript NM_000404.4 (MANE Select); coding-DNA position 550, C replaced by T.
Protein change: p.Gln184Ter; replaces glutamine 184 with a stop codon.
Molecular consequence: nonsense. On other transcripts: missense variant (1).
Genome position (GRCh38, 1-based): chr3:33,065,465, G>A on the plus strand (C>T on the coding strand, the complement: GLB1 is on the minus strand). VCF-style: chr3-33065465-G-A. GRCh37 (hg19) VCF-style: chr3-33106957-G-A.
Other names: c.460C>T, p.Gln154Ter (NM_001079811.3); c.338C>T, p.Ala113Val (NM_001135602.3); c.694C>T, p.Gln232Ter (NM_001317040.2); c.550C>T, p.Gln184Ter (NM_001393580.1); short protein forms Q154*, Q184*, Q232*, A113V.
Identifiers: ClinVar variation 2927180 (VCV002927180.4), dbSNP rs2471424354, ClinGen allele CA351991671.